The following is an entry in ClinVar:

ClinVar aggregate classification (germline): Uncertain significance (1 of 4 stars; one submission).

Allele frequency attached by ClinVar (database versions not stated): ExAC 0.00002; ESP Exome Variant Server 0.00008; gnomAD 0.00015; TOPMed 0.00017.
gnomAD v4.1: 34 of 1,613,732 alleles (0.0021%); highest among the groups gnomAD compares: African/African-American, 0.035%; no homozygotes.

Submission:

Labcorp Genetics (formerly Invitae), Labcorp
Classification: Uncertain significance. Last evaluated: 2025-02-10. Review status: criteria provided, single submitter. Criteria: Invitae Variant Classification Sherloc (09022015). Collection method: clinical testing. Allele origin: germline.
Comment: This sequence change replaces aspartic acid, which is acidic and polar, with tyrosine, which is neutral and polar, at codon 484 of the CRAT protein (p.Asp484Tyr). This variant is present in population databases (rs374685866, gnomAD 0.03%). This variant has not been reported in the literature in individuals affected with CRAT-related conditions. ClinVar contains an entry for this variant (Variation ID: 2068772). Invitae Evidence Modeling of protein sequence and biophysical properties (such as structural, functional, and spatial information, amino acid conservation, physicochemical variation, residue mobility, and thermodynamic stability) indicates that this missense variant is expected to disrupt CRAT protein function with a positive predictive value of 80%. In summary, the available evidence is currently insufficient to determine the role of this variant in disease. Therefore, it has been classified as a Variant of Uncertain Significance.

NM_000755.5(CRAT):c.1450G>T (p.Asp484Tyr)

Gene: CRAT (carnitine O-acetyltransferase; minus strand). Cytogenetic location: 9q34.11.
Variant type: single nucleotide variant.
Coding change: c.1450G>T on transcript NM_000755.5 (MANE Select); coding-DNA position 1450, G replaced by T.
Protein change: p.Asp484Tyr; replaces aspartic acid 484 with tyrosine.
Molecular consequence: missense variant.
Genome position (GRCh38, 1-based): chr9:129,098,027, C>A on the plus strand (G>T on the coding strand, the complement: CRAT is on the minus strand). VCF-style: chr9-129098027-C-A. GRCh37 (hg19) VCF-style: chr9-131860306-C-A.
Other names: c.1387G>T, p.Asp463Tyr (NM_001257363.3, NM_001346548.2, NM_004003.4); c.1453G>T, p.Asp485Tyr (NM_001346546.2); c.1450G>T, p.Asp484Tyr (NM_001346547.2); c.1330G>T, p.Asp444Tyr (NM_001346549.2); short protein forms D444Y, D485Y, D484Y, D463Y.
Identifiers: ClinVar variation 2068772 (VCV002068772.4), dbSNP rs374685866, ClinGen allele CA5275377.